The following is an entry in ClinVar:

ClinVar aggregate classification (germline): Conflicting classifications of pathogenicity. Review status: criteria provided, conflicting classifications (1 of 4 stars). 3 submissions from 3 submitters: Pathogenic (1); Uncertain significance (2). Last evaluated 2025-06-12.

Conditions:
Retinitis pigmentosa 88. Identifiers: MedGen C5394208, MONDO:0032940, OMIM 618826.

gnomAD v4.1: 195 of 1,614,014 alleles (0.012%); highest among the groups gnomAD compares: South Asian, 0.042%; 1 homozygote.

Submissions (3):

3billion
Classification: Pathogenic for Retinitis pigmentosa 88. Last evaluated: 2025-06-12. Review status: criteria provided, single submitter. Criteria: ACMG Guidelines, 2015. Collection method: clinical testing. Allele origin: germline. Affected: yes.
Comment: The variant is observed at an extremely low frequency in the gnomAD v4.1.0 dataset (total allele frequency: 0.012%). Predicted Consequence/Location: Stop-gained (nonsense): predicted to result in a loss or disruption of normal protein function through nonsense-mediated decay (NMD) or protein truncation. Multiple pathogenic variants are reported downstream of the variant. The variant has been reported to be in trans with a pathogenic variant as either compound heterozygous or homozygous in at least one similarly affected unrelated individual (3billion dataset). The variant has been reported to be associated with RP1L1-related disorder (PMID: 33608557 /3billion dataset). Therefore, this variant is classified as Pathogenic according to the recommendation of ACMG/AMP guideline.

Labcorp Genetics (formerly Invitae), Labcorp
Classification: Uncertain significance. Last evaluated: 2024-11-04. Review status: criteria provided, single submitter. Criteria: Invitae Variant Classification Sherloc (09022015). Collection method: clinical testing. Allele origin: germline.
Comment: This sequence change creates a premature translational stop signal (p.Arg41*) in the RP1L1 gene. It is expected to result in an absent or disrupted protein product. However, the current clinical and genetic evidence is not sufficient to establish whether loss-of-function variants in RP1L1 cause disease. This variant is present in population databases (rs552894484, gnomAD 0.08%). This premature translational stop signal has been observed in individual(s) with autosomal recessive retinitis pigmentosa (PMID: 33608557). ClinVar contains an entry for this variant (Variation ID: 1408267). In summary, the available evidence is currently insufficient to determine the role of this variant in disease. Therefore, it has been classified as a Variant of Uncertain Significance.

Blueprint Genetics
Classification: Uncertain significance. Last evaluated: 2023-10-26. Review status: criteria provided, single submitter. Criteria: ACMG Guidelines, 2015. Collection method: clinical testing. Allele origin: germline.

Literature cited by the submitters: PubMed 33608557 (cited by 3billion and Labcorp Genetics (formerly Invitae), Labcorp).

NM_178857.6(RP1L1):c.121C>T (p.Arg41Ter)

Gene: RP1L1 (RP1 like 1). Cytogenetic location: 8p23.1.
Variant type: single nucleotide variant.
Coding change: c.121C>T on transcript NM_178857.6 (MANE Select); coding-DNA position 121, C replaced by T.
Protein change: p.Arg41Ter; replaces arginine 41 with a stop codon.
Molecular consequence: nonsense.
Genome position (GRCh38, 1-based): chr8:10,623,081, G>A on the plus strand (C>T on the coding strand, the complement: RP1L1 is on the minus strand). VCF-style: chr8-10623081-G-A. GRCh37 (hg19) VCF-style: chr8-10480591-G-A.
Other names: short protein forms R41*.
Identifiers: ClinVar variation 1408267 (VCV001408267.7), dbSNP rs552894484, ClinGen allele CA4625866.